The following is an entry in ClinVar:

NM_004656.4(BAP1):c.287T>C (p.Leu96Ser)

Gene: BAP1 (BRCA1 associated deubiquitinase 1; minus strand). Cytogenetic location: 3p21.1.
Variant type: single nucleotide variant.
Coding change: c.287T>C on transcript NM_004656.4 (MANE Select); coding-DNA position 287, T replaced by C.
Protein change: p.Leu96Ser; replaces leucine 96 with serine.
Molecular consequence: missense variant.
Genome position (GRCh38, 1-based): chr3:52,408,046, A>G on the plus strand (T>C on the coding strand, the complement: BAP1 is on the minus strand). VCF-style: chr3-52408046-A-G. GRCh37 (hg19) VCF-style: chr3-52442062-A-G.
Other names: c.287T>C, p.Leu96Ser (NM_001410772.1); short protein forms L96S.
Identifiers: ClinVar variation 3132974 (VCV003132974.3), dbSNP rs2153228131, ClinGen allele CA353112512.

ClinVar aggregate classification (germline): Uncertain significance. Review status: criteria provided, multiple submitters, no conflicts (2 of 4 stars). 2 submissions from 2 submitters: Uncertain significance (2). Last evaluated 2025-03-15.

Conditions:
Hereditary cancer-predisposing syndrome. Also called: Neoplastic Syndromes, Hereditary; Tumor predisposition; Hereditary neoplastic syndrome; Hereditary Cancer Syndrome. Identifiers: Orphanet 140162, MedGen C0027672, MeSH D009386, MONDO:0015356.
BAP1-related tumor predisposition syndrome (TPDS1). Also called: Tumor susceptibility linked to germline BAP1 mutations; BAP1 tumor predisposition syndrome; TUMOR PREDISPOSITION SYNDROME 1; COMMON Syndrome. Identifiers: Orphanet 289539, MedGen C3280492, MONDO:0013692, OMIM 614327.

Allele frequency attached by ClinVar (database versions not stated): gnomAD exomes below 0.00001.

Submissions (2):

Labcorp Genetics (formerly Invitae), Labcorp
Classification: Uncertain significance for BAP1-related tumor predisposition syndrome. Last evaluated: 2025-03-15. Review status: criteria provided, single submitter. Criteria: Invitae Variant Classification Sherloc (09022015). Collection method: clinical testing. Allele origin: germline.
Comment: This sequence change replaces leucine, which is neutral and non-polar, with serine, which is neutral and polar, at codon 96 of the BAP1 protein (p.Leu96Ser). This variant is not present in population databases (gnomAD no frequency). This variant has not been reported in the literature in individuals affected with BAP1-related conditions. ClinVar contains an entry for this variant (Variation ID: 3132974). Invitae Evidence Modeling of protein sequence and biophysical properties (such as structural, functional, and spatial information, amino acid conservation, physicochemical variation, residue mobility, and thermodynamic stability) indicates that this missense variant is expected to disrupt BAP1 protein function with a positive predictive value of 80%. In summary, the available evidence is currently insufficient to determine the role of this variant in disease. Therefore, it has been classified as a Variant of Uncertain Significance.

Ambry Genetics
Classification: Uncertain significance for Hereditary cancer-predisposing syndrome. Last evaluated: 2023-11-27. Review status: criteria provided, single submitter. Criteria: Ambry Variant Classification Scheme 2023. Collection method: clinical testing. Allele origin: germline.